The following is an entry in ClinVar:

ClinVar aggregate classification (germline): Uncertain significance (1 of 4 stars; one submission).

Conditions:
Orthostatic hypotension 1 (ORTHYP1). Also called: Dopamine beta-hydroxylase deficiency; NORADRENALINE DEFICIENCY; NOREPINEPHRINE DEFICIENCY; Orthostatic hypotension 1, due to DBH deficiency. Identifiers: Orphanet 230, MedGen C4746777, MONDO:0009123, OMIM 223360.

Submission:

Labcorp Genetics (formerly Invitae), Labcorp
Classification: Uncertain significance for Orthostatic hypotension 1. Last evaluated: 2022-06-24. Review status: criteria provided, single submitter. Criteria: Invitae Variant Classification Sherloc (09022015). Collection method: clinical testing. Allele origin: germline.
Comment: In summary, the available evidence is currently insufficient to determine the role of this variant in disease. Therefore, it has been classified as a Variant of Uncertain Significance. Algorithms developed to predict the effect of missense changes on protein structure and function (SIFT, PolyPhen-2, Align-GVGD) all suggest that this variant is likely to be disruptive. This variant has not been reported in the literature in individuals affected with DBH-related conditions. This variant is not present in population databases (gnomAD no frequency). This sequence change replaces leucine, which is neutral and non-polar, with glutamine, which is neutral and polar, at codon 198 of the DBH protein (p.Leu198Gln).

NM_000787.4(DBH):c.593T>A (p.Leu198Gln)

Gene: DBH (dopamine beta-hydroxylase; plus strand). Cytogenetic location: 9q34.2.
Variant type: single nucleotide variant.
Coding change: c.593T>A on transcript NM_000787.4 (MANE Select); coding-DNA position 593, T replaced by A.
Protein change: p.Leu198Gln; replaces leucine 198 with glutamine.
Molecular consequence: missense variant.
Genome position (GRCh38, 1-based): chr9:133,642,313, T>A. VCF-style: chr9-133642313-T-A. GRCh37 (hg19) VCF-style: chr9-136507435-T-A.
Other names: short protein forms L198Q.
Identifiers: ClinVar variation 2010179 (VCV002010179.4), dbSNP rs2538340487, ClinGen allele CA375411191.